The following is an entry in ClinVar:

ClinVar aggregate classification (germline): Conflicting classifications of pathogenicity. Review status: criteria provided, conflicting classifications (1 of 4 stars). 9 submissions from 9 submitters: Pathogenic (6); Uncertain significance (2). 1 of the submissions does not count toward it. Last evaluated 2026-06-12.

Conditions:
Phosphoenolpyruvate carboxykinase deficiency, cytosolic (PCKDC). Also called: PCK1 DEFICIENCY, CYTOSOLIC; PEPCK DEFICIENCY, CYTOSOLIC. Identifiers: Orphanet 2880, MedGen C5574905, MONDO:0009866, OMIM 261680.
PCK1-related disorder. Also called: PCK1-related condition.

Allele frequency attached by ClinVar (database versions not stated): ESP Exome Variant Server 0.00008; TOPMed 0.00012; 1000 Genomes Project 30x 0.00031; 1000 Genomes Project 0.00040; gnomAD exomes 0.00055 and 0.00124; ExAC 0.00101; gnomAD 0.00105 and 0.00113.
gnomAD v4.1: 952 of 1,613,358 alleles (0.059%); highest among the groups gnomAD compares: Non-Finnish European, 0.017%; 3 homozygotes.

Submissions (9):

PreventionGenetics, part of Exact Sciences
Classification: Pathogenic for PCK1-related condition. Last evaluated: 2026-06-12. Review status: criteria provided, single submitter. Criteria: ACMG Guidelines, 2015. Collection method: clinical testing. Allele origin: germline.
Comment: The PCK1 c.925G>A variant is predicted to result in the amino acid substitution p.Gly309Arg. This variant has been reported in the homozygous or compound heterozygous states in multiple individuals with cytosolic phosphoenolpyruvate carboxykinase (PEPCK) deficiency that presented as childhood hypoglycemia and is particularly common in the Finnish population (Vieira et al. 2017. PubMed ID: 28216384). This variant was characterized as having a milder effect than other causative variants in this gene, and in vitro experimental studies demonstrated this variant results in absent enzymatic activity (Vieira et al. 2017. PubMed ID: 28216384; Vieira et al. 2021. PubMed ID: 34622459). However, this variant has also been reported in the compound heterozygous state in at least two individuals with a severe course of disease (Becker et al. 2021. PubMed ID: 33445193; Duś-Żuchowska et al. 2024. PubMed ID: 38656928). This variant is reported in 1.2% of alleles in individuals of European (Finnish) descent in gnomAD and has conflicting interpretations in ClinVar ranging from uncertain to pathogenic (Variation ID: 338886). At PreventionGenetics, we have observed this variant in the homozygous and compound heterozygous state along with a second potentially causative variant in two unrelated patients undergoing testing for hypoglycemia (Internal Data). Taken together, this variant is interpreted as pathogenic.

Laboratory of Genetics, Children's Clinical University Hospital Latvia
Classification: Pathogenic. Last evaluated: 2025-02-16. Review status: criteria provided, single submitter. Criteria: ACMG Guidelines, 2015. Collection method: clinical testing. Allele origin: germline. Affected: yes.

Department of Human Genetics, University Hospital Bern, Inselspital
Classification: Pathogenic for Phosphoenolpyruvate carboxykinase deficiency, cytosolic. Last evaluated: 2024-11-29. Review status: criteria provided, single submitter. Criteria: ACMG Guidelines, 2015. Collection method: clinical testing. Allele origin: unknown. Inheritance: Autosomal recessive inheritance. Affected: yes. Observed: 1 heterozygote.
Comment: This variant is present population databases at a frequency of 0.06% (gnomAD v4.1) has been described as disease-causing in several affected homozygous or compound heterozygous individuals with phosphoenolpyruvate carboxykinase deficiency (e.g. Vieira et al. 2017, PMID: 28216384; Becker et al. 2021, PMID: 33445193). Functional studies have shown that this missense change affects PCK1 function (Vieira et al. 2017, PMID: 28216384). In addition, In silico prediction (REVEL) predicts a deleterious effect for this variant.

Blueprint Genetics
Classification: Pathogenic for PCK1-related disorders. Last evaluated: 2024-10-18. Review status: criteria provided, single submitter. Criteria: ACMG Guidelines, 2015. Collection method: clinical testing. Allele origin: germline. Affected: yes. Observed: 5 variant alleles.

Mendelics
Classification: Pathogenic for Phosphoenolpyruvate carboxykinase deficiency, cytosolic. Last evaluated: 2022-05-04. Review status: criteria provided, single submitter. Criteria: Mendelics Assertion Criteria 2019. Collection method: clinical testing. Allele origin: germline.

Labcorp Genetics (formerly Invitae), Labcorp
Classification: Uncertain significance. Last evaluated: 2022-02-15. Review status: criteria provided, single submitter. Criteria: Invitae Variant Classification Sherloc (09022015). Collection method: clinical testing. Allele origin: germline.
Comment: This sequence change replaces glycine, which is neutral and non-polar, with arginine, which is basic and polar, at codon 309 of the PCK1 protein (p.Gly309Arg). This variant is present in population databases (rs201186470, gnomAD 1.2%). This missense change has been observed in individual(s) with cytosolic phosphoenolpyruvate carboxykinase deficiency (PMID: 28216384, 33445193). ClinVar contains an entry for this variant (Variation ID: 338886). Algorithms developed to predict the effect of missense changes on protein structure and function (SIFT, PolyPhen-2, Align-GVGD) all suggest that this variant is likely to be disruptive. Experimental studies have shown that this missense change affects PCK1 function (PMID: 28216384). In summary, the available evidence is currently insufficient to determine the role of this variant in disease. Therefore, it has been classified as a Variant of Uncertain Significance.

Institute of Human Genetics Munich, TUM University Hospital
Classification: Pathogenic for Phosphoenolpyruvate carboxykinase deficiency, cytosolic. Last evaluated: 2019-09-02. Review status: criteria provided, single submitter. Criteria: Classification criteria August 2017. Collection method: clinical testing. Allele origin: maternal. Inheritance: Autosomal recessive inheritance. Affected: yes. Observed: 1 compound heterozygote.

Illumina Laboratory Services, Illumina
Classification: Uncertain significance for Phosphoenolpyruvate carboxykinase deficiency, cytosolic. Last evaluated: 2018-01-13. Review status: criteria provided, single submitter. Criteria: ICSL Variant Classification Criteria 13 December 2019. Collection method: clinical testing. Allele origin: germline.

OMIM
Classification: Pathogenic for PHOSPHOENOLPYRUVATE CARBOXYKINASE DEFICIENCY, CYTOSOLIC. Last evaluated: 2023-04-12. Review status: no assertion criteria provided. Collection method: literature only. Allele origin: germline. Not counted in ClinVar's aggregate classification.

Literature cited by the submitters: PubMed 28216384 (cited by 3 submitters); PubMed 33445193 (cited by Department of Human Genetics, University Hospital Bern, Inselspital and Labcorp Genetics (formerly Invitae), Labcorp).

NM_002591.4(PCK1):c.925G>A (p.Gly309Arg)

Gene: PCK1 (phosphoenolpyruvate carboxykinase 1; plus strand). Cytogenetic location: 20q13.31.
Variant type: single nucleotide variant.
Coding change: c.925G>A on transcript NM_002591.4 (MANE Select); coding-DNA position 925, G replaced by A.
Protein change: p.Gly309Arg; replaces glycine 309 with arginine.
Molecular consequence: missense variant.
Genome position (GRCh38, 1-based): chr20:57,563,691, G>A. VCF-style: chr20-57563691-G-A. GRCh37 (hg19) VCF-style: chr20-56138747-G-A.
Other names: PCK1, GLY309ARG (rs201186470); short protein forms G309R.
Identifiers: ClinVar variation 338886 (VCV000338886.22), dbSNP rs201186470, ClinGen allele CA9922209.